The following is an entry in ClinVar:

NM_004656.4(BAP1):c.1478C>T (p.Thr493Ile)

Gene: BAP1 (BRCA1 associated deubiquitinase 1; minus strand). Cytogenetic location: 3p21.1.
Variant type: single nucleotide variant.
Coding change: c.1478C>T on transcript NM_004656.4 (MANE Select); coding-DNA position 1478, C replaced by T.
Protein change: p.Thr493Ile; replaces threonine 493 with isoleucine.
Molecular consequence: missense variant.
Genome position (GRCh38, 1-based): chr3:52,403,667, G>A on the plus strand (C>T on the coding strand, the complement: BAP1 is on the minus strand). VCF-style: chr3-52403667-G-A. GRCh37 (hg19) VCF-style: chr3-52437683-G-A.
Other names: c.1424C>T, p.Thr475Ile (NM_001410772.1); short protein forms T493I, T475I.
Identifiers: ClinVar variation 1773494 (VCV001773494.2), dbSNP rs2153226701, ClinGen allele CA353101079.

ClinVar aggregate classification (germline): Uncertain significance (1 of 4 stars; one submission).

Conditions:
Hereditary cancer-predisposing syndrome. Also called: Hereditary Cancer Syndrome; Hereditary neoplastic syndrome; Neoplastic Syndromes, Hereditary; Tumor predisposition. Identifiers: Orphanet 140162, MedGen C0027672, MeSH D009386, MONDO:0015356.

Submission:

Ambry Genetics
Classification: Uncertain significance for Hereditary cancer-predisposing syndrome. Last evaluated: 2021-08-03. Review status: criteria provided, single submitter. Criteria: Ambry Variant Classification Scheme 2023. Collection method: clinical testing. Allele origin: germline.
Comment: The p.T493I variant (also known as c.1478C>T), located in coding exon 13 of the BAP1 gene, results from a C to T substitution at nucleotide position 1478. The threonine at codon 493 is replaced by isoleucine, an amino acid with similar properties. This amino acid position is highly conserved in available vertebrate species. In addition, the in silico prediction for this alteration is inconclusive. Since supporting evidence is limited at this time, the clinical significance of this alteration remains unclear.